The following is an entry in ClinVar:

ClinVar aggregate classification (germline): Uncertain significance (1 of 4 stars; one submission).

Allele frequency attached by ClinVar (database versions not stated): ExAC 0.00004; 1000 Genomes Project 0.00040; 1000 Genomes Project 30x 0.00047.

Submission:

Labcorp Genetics (formerly Invitae), Labcorp
Classification: Uncertain significance. Last evaluated: 2023-11-25. Review status: criteria provided, single submitter. Criteria: Invitae Variant Classification Sherloc (09022015). Collection method: clinical testing. Allele origin: germline.
Comment: This sequence change replaces aspartic acid, which is acidic and polar, with tyrosine, which is neutral and polar, at codon 2 of the C1QC protein (p.Asp2Tyr). The frequency data for this variant in the population databases is considered unreliable, as metrics indicate poor data quality at this position in the gnomAD database. This variant has not been reported in the literature in individuals affected with C1QC-related conditions. An algorithm developed to predict the effect of missense changes on protein structure and function (PolyPhen-2) suggests that this variant is likely to be disruptive. In summary, the available evidence is currently insufficient to determine the role of this variant in disease. Therefore, it has been classified as a Variant of Uncertain Significance.

NM_172369.5(C1QC):c.4G>T (p.Asp2Tyr)

Gene: C1QC (complement C1q C chain; plus strand). Cytogenetic location: 1p36.12.
Variant type: single nucleotide variant.
Coding change: c.4G>T on transcript NM_172369.5 (MANE Select); coding-DNA position 4, G replaced by T.
Protein change: p.Asp2Tyr; replaces aspartic acid 2 with tyrosine.
Molecular consequence: missense variant. On other transcripts: intron variant (1).
Genome position (GRCh38, 1-based): chr1:22,644,027, G>T. VCF-style: chr1-22644027-G-T. GRCh37 (hg19) VCF-style: chr1-22970520-G-T.
Other names: c.4G>T, p.Asp2Tyr (NM_001114101.3, NM_001347619.2); c.-87+313G>T (NM_001347620.2); short protein forms D2Y.
Identifiers: ClinVar variation 2958045 (VCV002958045.1), dbSNP rs551820328, ClinGen allele CA677869.